The following is an entry in ClinVar:

NM_006662.3(SRCAP):c.5401G>A (p.Ala1801Thr)

Gene: SRCAP (Snf2 related CREBBP activator protein; plus strand). Cytogenetic location: 16p11.2.
Variant type: single nucleotide variant.
Coding change: c.5401G>A on transcript NM_006662.3 (MANE Select); coding-DNA position 5401, G replaced by A.
Protein change: p.Ala1801Thr; replaces alanine 1801 with threonine.
Molecular consequence: missense variant.
Genome position (GRCh38, 1-based): chr16:30,724,825, G>A. VCF-style: chr16-30724825-G-A. GRCh37 (hg19) VCF-style: chr16-30736146-G-A.
Other names: short protein forms A1801T.
Identifiers: ClinVar variation 4698074 (VCV004698074.1).
Genomic context (GRCh38, chr16:30,724,825, plus strand): 5'-GCCCCAGCTTCAGTGCAGACACTGACCTTGAGCCCTGCCCCAGTTCCTACCCTGGGCCCG[G>A]CCGCAGCTCAGACCTTGGCGCTGGCCCCAGCCTCCACACAGTCCCCAGCTTCCCAGGCAT-3'
Protein context (NP_006653.2, residues 1791-1811): SPAPVPTLGP[Ala1801Thr]AAQTLALAPA

ClinVar aggregate classification (germline): Uncertain significance (1 of 4 stars; one submission).

gnomAD v4.1: 1 of 1,613,936 alleles (0.000062%); highest among the groups gnomAD compares: Middle Eastern, 0.016%; no homozygotes.

Submission:

Labcorp Genetics (formerly Invitae), Labcorp
Classification: Uncertain significance. Last evaluated: 2025-02-06. Review status: criteria provided, single submitter. Criteria: Invitae Variant Classification Sherloc (09022015). Collection method: clinical testing. Allele origin: germline.
Comment: This sequence change replaces alanine, which is neutral and non-polar, with threonine, which is neutral and polar, at codon 1801 of the SRCAP protein (p.Ala1801Thr). This variant is present in population databases (no rsID available, gnomAD no frequency). This variant has not been reported in the literature in individuals affected with SRCAP-related conditions. Invitae Evidence Modeling of protein sequence and biophysical properties (such as structural, functional, and spatial information, amino acid conservation, physicochemical variation, residue mobility, and thermodynamic stability) indicates that this missense variant is not expected to disrupt SRCAP protein function with a negative predictive value of 80%. In summary, the available evidence is currently insufficient to determine the role of this variant in disease. Therefore, it has been classified as a Variant of Uncertain Significance.